The following is an entry in ClinVar:

ClinVar aggregate classification (germline): Uncertain significance. Review status: criteria provided, multiple submitters, no conflicts (2 of 4 stars). 2 submissions from 2 submitters: Uncertain significance (2). Last evaluated 2024-11-15.

Conditions:
Inborn genetic diseases. Identifiers: MedGen C0950123, MeSH D030342.
Growth hormone insensitivity with immune dysregulation 1, autosomal recessive. Also called: Laron syndrome with immunodeficiency; GROWTH HORMONE INSENSITIVITY DUE TO POSTRECEPTOR DEFECT; LARON SYNDROME DUE TO POSTRECEPTOR DEFECT; GROWTH HORMONE INSENSITIVITY SYNDROME WITH IMMUNE DYSREGULATION 1, AUTOSOMAL RECESSIVE. Identifiers: Orphanet 220465, MedGen C5435698, MONDO:0100211, OMIM 245590.

Allele frequency attached by ClinVar (database versions not stated): gnomAD exomes 0.00001; TOPMed 0.00001.
gnomAD v4.1: 17 of 1,613,892 alleles (0.0011%); highest among the groups gnomAD compares: Non-Finnish European, 0.0012%; no homozygotes.

Submissions (2):

Ambry Genetics
Classification: Uncertain significance for Inborn genetic diseases. Last evaluated: 2024-11-15. Review status: criteria provided, single submitter. Criteria: Ambry Variant Classification Scheme 2023. Collection method: clinical testing. Allele origin: germline.

Labcorp Genetics (formerly Invitae), Labcorp
Classification: Uncertain significance for Growth hormone insensitivity with immune dysregulation 1, autosomal recessive. Last evaluated: 2024-02-24. Review status: criteria provided, single submitter. Criteria: Invitae Variant Classification Sherloc (09022015). Collection method: clinical testing. Allele origin: germline.
Comment: This sequence change replaces glutamine, which is neutral and polar, with lysine, which is basic and polar, at codon 337 of the STAT5B protein (p.Gln337Lys). This variant is not present in population databases (gnomAD no frequency). This variant has not been reported in the literature in individuals affected with STAT5B-related conditions. ClinVar contains an entry for this variant (Variation ID: 1401991). Advanced modeling of protein sequence and biophysical properties (such as structural, functional, and spatial information, amino acid conservation, physicochemical variation, residue mobility, and thermodynamic stability) performed at Invitae indicates that this missense variant is expected to disrupt STAT5B protein function with a positive predictive value of 80%. In summary, the available evidence is currently insufficient to determine the role of this variant in disease. Therefore, it has been classified as a Variant of Uncertain Significance.

NM_012448.4(STAT5B):c.1009C>A (p.Gln337Lys)

Gene: STAT5B (signal transducer and activator of transcription 5B; minus strand). Cytogenetic location: 17q21.2.
Variant type: single nucleotide variant.
Coding change: c.1009C>A on transcript NM_012448.4 (MANE Select); coding-DNA position 1009, C replaced by A.
Protein change: p.Gln337Lys; replaces glutamine 337 with lysine.
Molecular consequence: missense variant.
Genome position (GRCh38, 1-based): chr17:42,218,311, G>T on the plus strand (C>A on the coding strand, the complement: STAT5B is on the minus strand). VCF-style: chr17-42218311-G-T. GRCh37 (hg19) VCF-style: chr17-40370329-G-T.
Other names: c.1009C>A (NM_012448.3); short protein forms Q337K.
Identifiers: ClinVar variation 1401991 (VCV001401991.9), dbSNP rs2080191165, ClinGen allele CA399585797.
Genomic context (GRCh38, chr17:42,218,311, plus strand): 5'-CCACCAGCAGGCGCACAGTGGCTGCAAACTTGGTCTGGGTCTTCAGGACCTGAGGAGGCT[G>T]CTTCTCAATGATGAACGTGCTGCAGGGGACACAGGGACAGATGCATGATGAGGGGCTGGT-3'
Protein context (NP_036580.2, residues 327-347): LVTSTFIIEK[Gln337Lys]PPQVLKTQTK